The following is an entry in ClinVar:

NM_002424.3(MMP8):c.95C>T (p.Thr32Ile)

Genes: MMP8 (matrix metallopeptidase 8; minus strand), LOC126861316 (BRD4-independent group 4 enhancer GRCh37_chr11:102594892-102596091; plus strand). Cytogenetic location: 11q22.2.
Variant type: single nucleotide variant.
Coding change: c.95C>T on transcript NM_002424.3 (MANE Select); coding-DNA position 95, C replaced by T.
Protein change: p.Thr32Ile; replaces threonine 32 with isoleucine.
Molecular consequence: missense variant. On other transcripts: 5 prime UTR variant (2).
Genome position (GRCh38, 1-based): chr11:102,724,761, G>A on the plus strand (C>T on the coding strand, the complement: MMP8 is on the minus strand). VCF-style: chr11-102724761-G-A. GRCh37 (hg19) VCF-style: chr11-102595492-G-A.
Other names: c.-66C>T (NM_001304441.2); c.-63C>T (NM_001304442.2); short protein forms T32I.
Identifiers: ClinVar variation 403100 (VCV000403100.5), dbSNP rs3765620, ClinGen allele CA6249717.

ClinVar aggregate classification (germline): Benign. Review status: criteria provided, multiple submitters, no conflicts (2 of 4 stars). 2 submissions from 2 submitters: Benign (2). Last evaluated 2016-03-28.

Allele frequency attached by ClinVar (database versions not stated): gnomAD exomes 0.56313 and 0.59247; ExAC 0.59715; ESP Exome Variant Server 0.62265; gnomAD 0.62621 and 0.62760; TOPMed 0.62862; 1000 Genomes Project 0.65435; 1000 Genomes Project 30x 0.65693.
gnomAD v4.1: 904,371 of 1,586,530 alleles (57%); highest among the groups gnomAD compares: African/African-American, 76%; 261,255 homozygotes.

Submissions (2):

Laboratory for Molecular Medicine, Mass General Brigham Personalized Medicine
Classification: Benign. Last evaluated: 2016-03-28. Review status: criteria provided, single submitter. Criteria: LMM Criteria. Collection method: clinical testing. Allele origin: germline.
Comment: Variant identified in a genome or exome case(s) and assessed due to predicted null impact of the variant or pathogenic assertions in the literature or databases. Disclaimer: This variant has not undergone full assessment. The following are preliminary notes: Frequency

Breakthrough Genomics
Classification: Benign. Review status: criteria provided, single submitter. Criteria: ACMG Guidelines, 2015. Collection method: not provided. Allele origin: germline. Inheritance: Unknown mechanism. Affected: yes.